The following is an entry in ClinVar:

NM_003482.4(KMT2D):c.2022G>A (p.Pro674=)

Gene: KMT2D (lysine methyltransferase 2D; minus strand). Cytogenetic location: 12q13.12.
Variant type: single nucleotide variant.
Coding change: c.2022G>A on transcript NM_003482.4 (MANE Select); coding-DNA position 2022, G replaced by A.
Protein change: p.Pro674=; no amino-acid change (proline 674 retained).
Molecular consequence: synonymous variant.
Genome position (GRCh38, 1-based): chr12:49,051,661, C>T on the plus strand (G>A on the coding strand, the complement: KMT2D is on the minus strand). VCF-style: chr12-49051661-C-T. GRCh37 (hg19) VCF-style: chr12-49445444-C-T.
Other names: c.2022G>A (NM_003482.3).
Identifiers: ClinVar variation 1632156 (VCV001632156.10), dbSNP rs754066539, ClinGen allele CA6548363.

ClinVar aggregate classification (germline): Likely benign. Review status: criteria provided, single submitter (1 of 4 stars). 2 submissions from 2 submitters: Likely benign (1). 1 of the submissions does not count toward it. Last evaluated 2025-03-05.

Conditions:
KMT2D-related disorder. Also called: KMT2D-Related Disorders.
Kabuki syndrome. Also called: Kabuki make-up syndrome; NIIKAWA-KUROKI SYNDROME. Identifiers: Orphanet 2322, MedGen C0796004, MONDO:0016512.

Allele frequency attached by ClinVar (database versions not stated): gnomAD exomes 0.00005; ExAC 0.00008; gnomAD 0.00009.

Submissions (2):

Labcorp Genetics (formerly Invitae), Labcorp
Classification: Likely benign for Kabuki syndrome. Last evaluated: 2025-03-05. Review status: criteria provided, single submitter. Criteria: Invitae Variant Classification Sherloc (09022015). Collection method: clinical testing. Allele origin: germline.

PreventionGenetics, part of Exact Sciences
Classification: Likely benign for KMT2D-related condition. Last evaluated: 2022-02-01. Review status: no assertion criteria provided. Collection method: clinical testing. Allele origin: germline. Not counted in ClinVar's aggregate classification.
Comment: This variant is classified as likely benign based on ACMG/AMP sequence variant interpretation guidelines (Richards et al. 2015 PMID: 25741868, with internal and published modifications).